The following is an entry in ClinVar:

Single allele

Variant type: Duplication.
Identifiers: ClinVar variation 559464 (VCV000559464.3).

ClinVar aggregate classification (germline): Uncertain significance (1 of 4 stars; one submission).

Submission:

Geisinger Autism and Developmental Medicine Institute, Geisinger Health System
Classification: Uncertain significance. Last evaluated: 2018-04-04. Review status: criteria provided, single submitter. Criteria: ACMG CNV Guidelines, 2011. Collection method: provider interpretation. Allele origin: paternal.
Comment: The duplication includes approximately 25 known genes. Larger duplications have been reported in individuals with postnatal growth retardation, microcephaly, and characteristic facies (Grossman et al. 2009).

Literature cited by the submitters: PubMed 19842202.